The following is an entry in ClinVar:

ClinVar aggregate classification (germline): Uncertain significance (1 of 4 stars; one submission).

gnomAD v4.1: 7 of 1,614,022 alleles (0.00043%); highest among the groups gnomAD compares: Non-Finnish European, 0.00059%; no homozygotes.

Submission:

Labcorp Genetics (formerly Invitae), Labcorp
Classification: Uncertain significance. Last evaluated: 2024-08-07. Review status: criteria provided, single submitter. Criteria: Invitae Variant Classification Sherloc (09022015). Collection method: clinical testing. Allele origin: germline.
Comment: This sequence change replaces glycine, which is neutral and non-polar, with arginine, which is basic and polar, at codon 334 of the HIVEP2 protein (p.Gly334Arg). This variant is not present in population databases (gnomAD no frequency). This variant has not been reported in the literature in individuals affected with HIVEP2-related conditions. Advanced modeling of protein sequence and biophysical properties (such as structural, functional, and spatial information, amino acid conservation, physicochemical variation, residue mobility, and thermodynamic stability) performed at Invitae indicates that this missense variant is expected to disrupt HIVEP2 protein function with a positive predictive value of 80%. In summary, the available evidence is currently insufficient to determine the role of this variant in disease. Therefore, it has been classified as a Variant of Uncertain Significance.

NM_006734.4(HIVEP2):c.1000G>A (p.Gly334Arg)

Gene: HIVEP2 (HIVEP zinc finger 2; minus strand). Cytogenetic location: 6q24.2.
Variant type: single nucleotide variant.
Coding change: c.1000G>A on transcript NM_006734.4 (MANE Select); coding-DNA position 1000, G replaced by A.
Protein change: p.Gly334Arg; replaces glycine 334 with arginine.
Molecular consequence: missense variant.
Genome position (GRCh38, 1-based): chr6:142,773,739, C>T on the plus strand (G>A on the coding strand, the complement: HIVEP2 is on the minus strand). VCF-style: chr6-142773739-C-T. GRCh37 (hg19) VCF-style: chr6-143094876-C-T.
Other names: short protein forms G334R.
Identifiers: ClinVar variation 3714634 (VCV003714634.2).